The following is an entry in ClinVar:

NM_001039141.3(TRIOBP):c.6325-10C>T

Gene: TRIOBP (TRIO and F-actin binding protein; plus strand). Cytogenetic location: 22q13.1.
Variant type: single nucleotide variant.
Coding change: c.6325-10C>T on transcript NM_001039141.3 (MANE Select); 10 bases into the intron before coding-DNA position 6325, C replaced by T.
Molecular consequence: intron variant.
Genome position (GRCh38, 1-based): chr22:37,765,660, C>T. VCF-style: chr22-37765660-C-T. GRCh37 (hg19) VCF-style: chr22-38161667-C-T.
Other names: c.1186-10C>T (NM_007032.5).
Identifiers: ClinVar variation 165608 (VCV000165608.8), dbSNP rs727503527, ClinGen allele CA178356.
Genomic context (GRCh38, chr22:37,765,660, plus strand): 5'-TGGAGGCTGGGGAAGGGCCGCTGTCCAGAGGAACGGGGCAGCCTGTGACACCCTGGCGTC[C>T]GGCCCACAGGAGGCATGTGAGCGCAGCCTGGCAGAGATGGAGTCCTCGCACCAGCAGGTG-3'

ClinVar aggregate classification (germline): Likely benign. Review status: criteria provided, multiple submitters, no conflicts (2 of 4 stars). 3 submissions from 3 submitters: Likely benign (3). Last evaluated 2026-01-20.

Allele frequency attached by ClinVar (database versions not stated): TOPMed 0.00004; gnomAD exomes 0.00006; ExAC 0.00017.
gnomAD v4.1: 83 of 1,549,238 alleles (0.0054%); highest among the groups gnomAD compares: South Asian, 0.033%; no homozygotes.

Submissions (3):

Labcorp Genetics (formerly Invitae), Labcorp
Classification: Likely benign. Last evaluated: 2026-01-20. Review status: criteria provided, single submitter. Criteria: Invitae Variant Classification Sherloc (09022015). Collection method: clinical testing. Allele origin: germline.

GeneDx
Classification: Likely benign. Last evaluated: 2020-12-14. Review status: criteria provided, single submitter. Criteria: GeneDx Variant Classification Process June 2021. Collection method: clinical testing. Allele origin: germline. Affected: yes.

Laboratory for Molecular Medicine, Mass General Brigham Personalized Medicine
Classification: Likely benign. Last evaluated: 2013-12-03. Review status: criteria provided, single submitter. Criteria: LMM Criteria. Collection method: clinical testing. Allele origin: germline. Observed: 1 variant allele.
Comment: 6325-10C>T in intron 17 of TRIOBP: This variant is not expected to have clinical significance because it is located in the 3' splice region but does diverge fro m the splice consensus sequence, and computational tools do not suggest an impac t to splicing.